The following is an entry in ClinVar:

ClinVar aggregate classification (germline): Uncertain significance (1 of 4 stars; one submission).

gnomAD v4.1: 6 of 1,614,028 alleles (0.00037%); highest among the groups gnomAD compares: Admixed American, 0.0083%; no homozygotes.

Submission:

Labcorp Genetics (formerly Invitae), Labcorp
Classification: Uncertain significance. Last evaluated: 2026-01-28. Review status: criteria provided, single submitter. Criteria: Invitae Variant Classification Sherloc (09022015). Collection method: clinical testing. Allele origin: germline.
Comment: This sequence change replaces threonine, which is neutral and polar, with isoleucine, which is neutral and non-polar, at codon 1102 of the A2ML1 protein (p.Thr1102Ile). This variant is present in population databases (rs754456789, gnomAD 0.009%). This variant has not been reported in the literature in individuals affected with A2ML1-related conditions. An algorithm developed to predict the effect of missense changes on protein structure and function (PolyPhen-2) suggests that this variant is likely to be disruptive. In summary, the available evidence is currently insufficient to determine the role of this variant in disease. Therefore, it has been classified as a Variant of Uncertain Significance.

NM_144670.6(A2ML1):c.3305C>T (p.Thr1102Ile)

Gene: A2ML1 (alpha-2-macroglobulin like 1; plus strand). Cytogenetic location: 12p13.31.
Variant type: single nucleotide variant.
Coding change: c.3305C>T on transcript NM_144670.6 (MANE Select); coding-DNA position 3305, C replaced by T.
Protein change: p.Thr1102Ile; replaces threonine 1102 with isoleucine.
Molecular consequence: missense variant.
Genome position (GRCh38, 1-based): chr12:8,860,921, C>T. VCF-style: chr12-8860921-C-T. GRCh37 (hg19) VCF-style: chr12-9013517-C-T.
Other names: c.1832C>T, p.Thr611Ile (NM_001282424.3); short protein forms T1102I, T611I.
Identifiers: ClinVar variation 4811156 (VCV004811156.1).